The following is an entry in ClinVar:

ClinVar aggregate classification (germline): Uncertain significance (1 of 4 stars; one submission).

Conditions:
Hereditary cancer-predisposing syndrome. Also called: Neoplastic Syndromes, Hereditary; Tumor predisposition; Hereditary Cancer Syndrome; Hereditary neoplastic syndrome. Identifiers: Orphanet 140162, MedGen C0027672, MeSH D009386, MONDO:0015356.

Allele frequency attached by ClinVar (database versions not stated): gnomAD exomes below 0.00001.
gnomAD v4.1: 7 of 1,614,216 alleles (0.00043%); highest among the groups gnomAD compares: Non-Finnish European, 0.00059%; no homozygotes.

Submission:

Ambry Genetics
Classification: Uncertain significance for Hereditary cancer-predisposing syndrome. Last evaluated: 2022-09-24. Review status: criteria provided, single submitter. Criteria: Ambry Variant Classification Scheme 2023. Collection method: clinical testing. Allele origin: germline.
Comment: The p.C237F variant (also known as c.710G>T), located in coding exon 2 of the BLM gene, results from a G to T substitution at nucleotide position 710. The cysteine at codon 237 is replaced by phenylalanine, an amino acid with highly dissimilar properties. This amino acid position is conserved. In addition, the in silico prediction for this alteration is inconclusive. Since supporting evidence is limited at this time, the clinical significance of this alteration remains unclear.

NM_000057.4(BLM):c.710G>T (p.Cys237Phe)

Gene: BLM (BLM RecQ like helicase; plus strand). Cytogenetic location: 15q26.1.
Variant type: single nucleotide variant.
Coding change: c.710G>T on transcript NM_000057.4 (MANE Select); coding-DNA position 710, G replaced by T.
Protein change: p.Cys237Phe; replaces cysteine 237 with phenylalanine.
Molecular consequence: missense variant. On other transcripts: 5 prime UTR variant (1).
Genome position (GRCh38, 1-based): chr15:90,749,978, G>T. VCF-style: chr15-90749978-G-T. GRCh37 (hg19) VCF-style: chr15-91293208-G-T.
Other names: c.710G>T, p.Cys237Phe (NM_001287246.2, NM_001287247.2); c.-582G>T (NM_001287248.2); short protein forms C237F.
Identifiers: ClinVar variation 1757221 (VCV001757221.2), dbSNP rs1303887290, ClinGen allele CA393841395.